The following is an entry in ClinVar:

NM_004629.2(FANCG):c.844C>T (p.Pro282Ser)

Gene: FANCG (FA complementation group G; minus strand). Cytogenetic location: 9p13.3.
Variant type: single nucleotide variant.
Coding change: c.844C>T on transcript NM_004629.2 (MANE Select); coding-DNA position 844, C replaced by T.
Protein change: p.Pro282Ser; replaces proline 282 with serine.
Molecular consequence: missense variant.
Genome position (GRCh38, 1-based): chr9:35,076,804, G>A on the plus strand (C>T on the coding strand, the complement: FANCG is on the minus strand). VCF-style: chr9-35076804-G-A. GRCh37 (hg19) VCF-style: chr9-35076801-G-A.
Other names: short protein forms P282S.
Identifiers: ClinVar variation 1692842 (VCV001692842.1), dbSNP rs770009374, ClinGen allele CA373313052.
Genomic context (GRCh38, chr9:35,076,804, plus strand): 5'-TCTCCAGCTCTGCTGTTGTGTCCCCCAGTTGCTGATAGAGCCTAGAGGCCTCCAGAAGTG[G>A]AGGACCCCAGGCTGATCCCTCTTTCAGGGCTGCAACCAAGTACAACAGTGCTCTCTGTGG-3'
Protein context (NP_004620.1, residues 272-292): ALKEGSAWGP[Pro282Ser]LLEASRLYQQ

ClinVar aggregate classification (germline): Uncertain significance (1 of 4 stars; one submission).

Conditions:
Fanconi anemia (FA). Also called: Fanconi's anemia. Identifiers: Orphanet 84, MedGen C0015625, MeSH D005199, MONDO:0019391.

Submission:

Sema4
Classification: Uncertain significance for Fanconi anemia. Last evaluated: 2021-06-04. Review status: criteria provided, single submitter. Criteria: Sema4 Curation Guidelines. Collection method: curation. Allele origin: germline.
Comment: The FANCG c.844C>T (p.P282S) variant has not been reported in the literature to our knowledge. It was not observed in the large and broad cohorts of the Genome Aggregation Database (PMID: 32461654), nor has it been reported in ClinVar. In silico tools suggest the impact of the variant on protein function is benign, though these predictions have not been confirmed by functional studies. The evidence is insufficient to meet ACMG/AMP criteria for classifying the variant as benign or pathogenic. Thus, the clinical significance of this variant is currently uncertain.